The following is an entry in ClinVar:

NM_006231.4(POLE):c.5173+18C>T

Gene: POLE (DNA polymerase epsilon, catalytic subunit; minus strand). Cytogenetic location: 12q24.33.
Variant type: single nucleotide variant.
Coding change: c.5173+18C>T on transcript NM_006231.4 (MANE Select); 18 bases into the intron after coding-DNA position 5173, C replaced by T.
Molecular consequence: intron variant.
Genome position (GRCh38, 1-based): chr12:132,642,159, G>A on the plus strand (C>T on the coding strand, the complement: POLE is on the minus strand). VCF-style: chr12-132642159-G-A. GRCh37 (hg19) VCF-style: chr12-133218745-G-A.
Identifiers: ClinVar variation 380433 (VCV000380433.17), dbSNP rs201587262, ClinGen allele CA6892615.
Genomic context (GRCh38, chr12:132,642,159, plus strand): 5'-CTATTGCCTTGAGAAGATGTCACAGAATGGCAGAAACACCAGCCAGGTCTCATGGGCCTC[G>A]TCCTCCCGCCCACTTACCTGTGGAGTAACAGCCTGAACTGTTGATCTCAACAGTGGCTTG-3'

ClinVar aggregate classification (germline): Likely benign. Review status: criteria provided, multiple submitters, no conflicts (2 of 4 stars). 5 submissions from 5 submitters: Likely benign (5). Last evaluated 2026-01-26.

Allele frequency attached by ClinVar (database versions not stated): ExAC 0.00014; ESP Exome Variant Server 0.00015; 1000 Genomes Project 30x 0.00016; gnomAD exomes 0.00016 and 0.00029; gnomAD 0.00017 and 0.00019; 1000 Genomes Project 0.00020; TOPMed 0.00020.
gnomAD v4.1: 422 of 1,521,366 alleles (0.028%); highest among the groups gnomAD compares: Non-Finnish European, 0.036%; 2 homozygotes.

Submissions (5):

Labcorp Genetics (formerly Invitae), Labcorp
Classification: Likely benign. Last evaluated: 2026-01-26. Review status: criteria provided, single submitter. Criteria: Invitae Variant Classification Sherloc (09022015). Collection method: clinical testing. Allele origin: germline.

Center for Genomic Medicine, Rigshospitalet, Copenhagen University Hospital
Classification: Likely benign. Last evaluated: 2025-03-04. Review status: criteria provided, single submitter. Criteria: ACMG Guidelines, 2015. Collection method: clinical testing. Allele origin: germline.

Blueprint Genetics
Classification: Likely benign. Last evaluated: 2023-11-23. Review status: criteria provided, single submitter. Criteria: ACMG Guidelines, 2015. Collection method: clinical testing. Allele origin: germline.

GeneDx
Classification: Likely benign. Last evaluated: 2017-12-22. Review status: criteria provided, single submitter. Criteria: GeneDx Variant Classification (06012015). Collection method: clinical testing. Allele origin: germline. Affected: yes.
Comment: This variant is considered likely benign or benign based on one or more of the following criteria: it is a conservative change, it occurs at a poorly conserved position in the protein, it is predicted to be benign by multiple in silico algorithms, and/or has population frequency not consistent with disease.

PreventionGenetics, part of Exact Sciences
Classification: Likely benign. Last evaluated: 2017-10-23. Review status: criteria provided, single submitter. Criteria: ACMG Guidelines, 2015. Collection method: clinical testing. Allele origin: germline.